The following is an entry in ClinVar:

NM_012463.4(ATP6V0A2):c.851del (p.Tyr283_Leu284insTer)

Gene: ATP6V0A2 (ATPase H+ transporting V0 subunit a2; plus strand). Cytogenetic location: 12q24.31.
Variant type: Deletion.
Coding change: c.851del on transcript NM_012463.4 (MANE Select); coding-DNA position 851, one base deleted (T; older notation c.851delT).
Protein change: p.Tyr283_Leu284insTer.
Molecular consequence: nonsense.
Genome position (GRCh38, 1-based): chr12:123,737,084, T deleted; the last of 3 consecutive T bases (chr12:123,737,082-123,737,084); deleting any one gives the same sequence. VCF-style (leftmost placement, unchanged base first): chr12-123737081-AT-A. GRCh37 (hg19) VCF-style: chr12-124221628-AT-A.
Identifiers: ClinVar variation 2829656 (VCV002829656.3), dbSNP rs1956561543, ClinGen allele CA2068991973.

ClinVar aggregate classification (germline): Pathogenic (1 of 4 stars; one submission).

Conditions:
ALG9 congenital disorder of glycosylation (CDG1L). Also called: CONGENITAL DISORDER OF GLYCOSYLATION, TYPE Il; ALG9-CDG; CDG Il. Identifiers: Orphanet 79328, MedGen C2931006, MONDO:0012117, OMIM 608776.

Submission:

Labcorp Genetics (formerly Invitae), Labcorp
Classification: Pathogenic for ALG9 congenital disorder of glycosylation. Last evaluated: 2025-03-31. Review status: criteria provided, single submitter. Criteria: Invitae Variant Classification Sherloc (09022015). Collection method: clinical testing. Allele origin: germline.
Comment: This sequence change creates a premature translational stop signal (p.Leu284*) in the ATP6V0A2 gene. It is expected to result in an absent or disrupted protein product. Loss-of-function variants in ATP6V0A2 are known to be pathogenic (PMID: 18157129, 19321599). This variant is not present in population databases (gnomAD no frequency). This variant has not been reported in the literature in individuals affected with ATP6V0A2-related conditions. ClinVar contains an entry for this variant (Variation ID: 2829656). For these reasons, this variant has been classified as Pathogenic.

Literature cited by the submitters: PubMed 18157129; PubMed 19321599.